The following is an entry in ClinVar:

ClinVar aggregate classification (germline): Likely pathogenic. Review status: criteria provided, multiple submitters, no conflicts (2 of 4 stars). 3 submissions from 3 submitters: Likely pathogenic (2). 1 of the submissions does not count toward it. Last evaluated 2026-04-05.

Conditions:
SCN2A-related disorder. Also called: SCN2A-related condition; SCN2A-related disorders. Identifiers: MedGen CN382226, MONDO:1060245.
Developmental and epileptic encephalopathy, 11 (DEE11). Also called: Early infantile epileptic encephalopathy 11. Identifiers: Orphanet 1934, MedGen C3150987, MONDO:0013388, OMIM 613721.
Seizures, benign familial infantile, 3 (BFIS3). Also called: CONVULSIONS, BENIGN FAMILIAL INFANTILE, 3; Familial neonatal seizures. Identifiers: Orphanet 140927, Orphanet 306, MedGen C1843140, MONDO:0011904, OMIM 607745.

Allele frequency attached by ClinVar (database versions not stated): gnomAD exomes below 0.00001; ExAC 0.00001.
gnomAD v4.1: 1 of 1,613,628 alleles (0.000062%); highest among the groups gnomAD compares: Non-Finnish European, 0.000085%; no homozygotes.

Submissions (3):

GeneDx
Classification: Likely pathogenic. Last evaluated: 2026-04-05. Review status: criteria provided, single submitter. Criteria: GeneDx Variant Classification Process June 2021. Collection method: clinical testing. Allele origin: germline.
Comment: Not observed at significant frequency in large population cohorts (gnomAD); In silico analysis supports that this missense variant has a deleterious effect on protein structure/function; This substitution is predicted to be within the pore forming loop between the S5 and S6 transmembrane segments of the first homologous domain; Has not been previously published as pathogenic or benign to our knowledge

Labcorp Genetics (formerly Invitae), Labcorp
Classification: Likely pathogenic for Seizures, benign familial infantile, 3; Developmental and epileptic encephalopathy, 11. Last evaluated: 2024-01-07. Review status: criteria provided, single submitter. Criteria: Invitae Variant Classification Sherloc (09022015). Collection method: clinical testing. Allele origin: germline.
Comment: This sequence change replaces arginine, which is basic and polar, with cysteine, which is neutral and slightly polar, at codon 379 of the SCN2A protein (p.Arg379Cys). This variant is present in population databases (rs768403673, gnomAD 0.0009%). This variant has not been reported in the literature in individuals affected with SCN2A-related conditions. Advanced modeling of protein sequence and biophysical properties (such as structural, functional, and spatial information, amino acid conservation, physicochemical variation, residue mobility, and thermodynamic stability) performed at Invitae indicates that this missense variant is expected to disrupt SCN2A protein function with a positive predictive value of 95%. Algorithms developed to predict the effect of sequence changes on RNA splicing suggest that this variant may disrupt the consensus splice site. This variant disrupts the p.Arg379 amino acid residue in SCN2A. Other variant(s) that disrupt this residue have been determined to be pathogenic (PMID: 28256214, 35348308). This suggests that this residue is clinically significant, and that variants that disrupt this residue are likely to be disease-causing. In summary, the currently available evidence indicates that the variant is pathogenic, but additional data are needed to prove that conclusively. Therefore, this variant has been classified as Likely Pathogenic.

PreventionGenetics, part of Exact Sciences
Classification: Uncertain significance for SCN2A-related condition. Last evaluated: 2024-03-22. Review status: no assertion criteria provided. Collection method: clinical testing. Allele origin: germline. Not counted in ClinVar's aggregate classification.
Comment: The SCN2A c.1135C>T variant is predicted to result in the amino acid substitution p.Arg379Cys. To our knowledge, this variant has not been reported in the literature. This variant is reported in 0.00088% of alleles in individuals of European (Non-Finnish) descent in gnomAD. A different missense variant affecting the same amino acid (p.Arg379His) has been found to be de novo in two individuals with autism spectrum disorder and neurodevelopmental delay (De Rubeis et al. 2014. PubMed ID: 25363760; Mangano et al. 2022. PubMed ID: 35348308). At this time, the clinical significance of the c.1135C>T (p.Arg379Cys) variant is uncertain due to the absence of conclusive functional and genetic evidence.

Literature cited by the submitters: PubMed 28256214 (cited by Labcorp Genetics (formerly Invitae), Labcorp); PubMed 35348308 (cited by Labcorp Genetics (formerly Invitae), Labcorp).

NM_001040142.2(SCN2A):c.1135C>T (p.Arg379Cys)

Gene: SCN2A (sodium voltage-gated channel alpha subunit 2; plus strand). Cytogenetic location: 2q24.3.
Variant type: single nucleotide variant.
Coding change: c.1135C>T on transcript NM_001040142.2 (MANE Select); coding-DNA position 1135, C replaced by T.
Protein change: p.Arg379Cys; replaces arginine 379 with cysteine.
Molecular consequence: missense variant.
Genome position (GRCh38, 1-based): chr2:165,313,720, C>T. VCF-style: chr2-165313720-C-T. GRCh37 (hg19) VCF-style: chr2-166170230-C-T.
Other names: c.1135C>T, p.Arg379Cys (NM_001040143.2, NM_001371246.1, NM_001371247.1 and 1 more transcripts); c.1135C>T (NM_021007.2); short protein forms R379C.
Identifiers: ClinVar variation 2922025 (VCV002922025.6), dbSNP rs768403673, ClinGen allele CA1939761.
Genomic context (GRCh38, chr2:165,313,720, plus strand): 5'-AACCCCAACTATGGCTACACGAGCTTTGACACCTTTAGTTGGGCCTTTTTGTCCTTATTT[C>T]GTCTCATGACTCAAGACTTCTGGGAAAACCTTTATCAACTGGTGAGAACAGATAAAATCA-3'
Protein context (NP_001035232.1, residues 369-389): TFSWAFLSLF[Arg379Cys]LMTQDFWENL